The following is an entry in ClinVar:

NM_001005273.3(CHD3):c.4999G>C (p.Gly1667Arg)

Gene: CHD3 (chromodomain helicase DNA binding protein 3; plus strand). Cytogenetic location: 17p13.1.
Variant type: single nucleotide variant.
Coding change: c.4999G>C on transcript NM_001005273.3 (MANE Select); coding-DNA position 4999, G replaced by C.
Protein change: p.Gly1667Arg; replaces glycine 1667 with arginine.
Molecular consequence: missense variant. On other transcripts: intron variant (2).
Genome position (GRCh38, 1-based): chr17:7,907,675, G>C. VCF-style: chr17-7907675-G-C. GRCh37 (hg19) VCF-style: chr17-7810993-G-C.
Other names: c.5176G>C, p.Gly1726Arg (NM_001005271.3, NM_001437504.1); c.5164G>C, p.Gly1722Arg (NM_001437507.1, NM_001437509.1); c.5089+187G>C (NM_001437508.1); c.4924+187G>C (NM_005852.4); short protein forms G1722R, G1667R, G1726R.
Identifiers: ClinVar variation 4997972 (VCV004997972.1).
Genomic context (GRCh38, chr17:7,907,675, plus strand): 5'-CCAGGAGAAAGGGGGGAGGAGAAGCCGTTGGATGGACAGGAACACAGGGAGAGGCCGGAG[G>C]GGGAAACAGGGGATTTGGGCAAGAGAGGTAATGGGTGGAAGGGACCGGACACCTGGGTCC-3'
Protein context (NP_001005273.1, residues 1657-1677): DGQEHRERPE[Gly1667Arg]ETGDLGKRED

ClinVar aggregate classification (germline): Uncertain significance (1 of 4 stars; one submission).

Conditions:
CHD3-related disorder. Also called: CHD3-related condition.

gnomAD v4.1: 1 of 1,535,402 alleles (0.000065%); highest among the groups gnomAD compares: African/African-American, 0.0014%; no homozygotes.

Submission:

PreventionGenetics, part of Exact Sciences
Classification: Uncertain significance for CHD3-related condition. Last evaluated: 2026-07-24. Review status: criteria provided, single submitter. Criteria: ACMG Guidelines, 2015. Collection method: clinical testing. Allele origin: germline.
Comment: The CHD3 c.5176G>C variant is predicted to result in the amino acid substitution p.Gly1726Arg. To our knowledge, this variant has not been reported in the literature or in a large population database (gnomAD), indicating this variant is rare. At this time, the clinical significance of this variant is uncertain due to the absence of conclusive functional and genetic evidence.